The following is an entry in ClinVar:

NM_001281740.3(FHOD3):c.1910G>C (p.Arg637Pro)

Gene: FHOD3 (formin homology 2 domain containing 3; plus strand). Cytogenetic location: 18q12.2.
Variant type: single nucleotide variant.
Coding change: c.1910G>C on transcript NM_001281740.3 (MANE Select); coding-DNA position 1910, G replaced by C.
Protein change: p.Arg637Pro; replaces arginine 637 with proline.
Molecular consequence: missense variant.
Genome position (GRCh38, 1-based): chr18:36,681,510, G>C. VCF-style: chr18-36681510-G-C. GRCh37 (hg19) VCF-style: chr18-34261473-G-C.
Other names: c.1910G>C (NM_001281740.2); c.1385G>C (NM_025135.3); c.1385G>C, p.Arg462Pro (NM_001281739.3, NM_025135.5); short protein forms R462P, R637P.
Identifiers: ClinVar variation 2441437 (VCV002441437.6), dbSNP rs151313792, ClinGen allele CA402216007.
Genomic context (GRCh38, chr18:36,681,510, plus strand): 5'-GTCTTCTCACATCATCCTTCAGGCAGCACCAAGAGTCACTGGCAGCAGAGAGAGAGAGGC[G>C]GCGGCAGGAGAGAGAAGAAAGGTTGCAGAGAATAGAGCGGGAAGAAAGAAACAAATTCAG-3'
Protein context (NP_001268669.1, residues 627-647): QESLAAERER[Arg637Pro]RQEREERLQR

ClinVar aggregate classification (germline): Conflicting classifications of pathogenicity. Review status: criteria provided, conflicting classifications (1 of 4 stars). 4 submissions from 4 submitters: Likely pathogenic (1); Uncertain significance (3). Last evaluated 2024-10-10.

Conditions:
FHOD3-related disorders.
Cardiomyopathy, familial hypertrophic, 28. Identifiers: MedGen C5543616, MONDO:0030317, OMIM 619402.

gnomAD v4.1: 2 of 1,613,832 alleles (0.00012%); highest among the groups gnomAD compares: Non-Finnish European, 0.00017%; no homozygotes.

Submissions (4):

Victorian Clinical Genetics Services, Murdoch Childrens Research Institute
Classification: Uncertain significance for Cardiomyopathy, familial hypertrophic, 28. Last evaluated: 2024-10-10. Review status: criteria provided, single submitter. Criteria: ACMG Guidelines, 2015. Collection method: clinical testing. Allele origin: germline. Inheritance: Autosomal dominant inheritance. Affected: yes.
Comment: Based on the classification scheme VCGS_Germline_v1.3.5, this variant is classified as VUS-3B. Following criteria are met: 0105 - The mechanism of disease for this gene is not clearly established. However, dominant negative is a suggested mechanism (PMID: 24088304, 35205353). (I) 0107 - This gene is associated with autosomal dominant disease. (I) 0112 - The condition associated with this gene has incomplete penetrance (PMID: 30442288). (I) 0200 - Variant is predicted to result in a missense amino acid change from arginine to proline. (I) 0251 - This variant is heterozygous. (I) 0302 - Variant is present in gnomAD (v4) <0.001 for a dominant condition (2 heterozygotes, 0 homozygotes). (SP) 0309 - Multiple alternative amino acid changes at the same position have been observed in gnomAD (v4) (highest allele count: 4983 heterozygotes, 14 homozygotes). The p.(Arg637Gln) variant is a minor amino acid change and has been reported as likely benign in ClinVar. (I) 0501 - Missense variant consistently predicted to be damaging by multiple in silico tools or highly conserved with a major amino acid change. (SP) 0602 - Variant is located in a hotspot region or cluster of pathogenic variants. This variant is located within a cluster of missense within the coiled coil domain (PMID: 30442288). (SP) 0708 - Other missense variants comparable to the one identified in this case have conflicting previous evidence for pathogenicity. p.(Arg637Trp) and p.(Arg637Gly) have been reported in a total of five families with hypertrophic cardiomyopathy, and p.(Arg637Trp) has been classified as a VUS (VCGS internal database, PMID: 30442288). p.(Arg637Gln) has been reported as likely benign in ClinVar. (I) 0809 - Previous evidence of pathogenicity for this variant is inconclusive. This variant has been classified as a VUS by clinical laboratories in ClinVar. It has also been observed in one family with hypertrophic cardiomyopathy (PMID: 30442288). (I) 1007 - No published functional evidence has been identified for this variant. (I) 1208 - Inheritance information for this variant is not currently available in this individual. (I) Legend: (SP) - Supporting pathogenic, (I) - Information, (SB) - Supporting benign

Blueprint Genetics
Classification: Likely pathogenic for FHOD3-related disorders. Last evaluated: 2023-08-31. Review status: criteria provided, single submitter. Criteria: ACMG Guidelines, 2015. Collection method: clinical testing. Allele origin: germline. Affected: yes. Observed: 5 variant alleles.

Revvity Omics, Revvity
Classification: Uncertain significance for Cardiomyopathy, familial hypertrophic, 28. Last evaluated: 2022-01-31. Review status: criteria provided, single submitter. Criteria: ACMG Guidelines, 2015. Collection method: clinical testing. Allele origin: germline.

GeneDx
Classification: Uncertain significance. Last evaluated: 2022-01-11. Review status: criteria provided, single submitter. Criteria: GeneDx Variant Classification Process June 2021. Collection method: clinical testing. Allele origin: germline. Affected: yes.
Comment: Identified in a patient belonging to a cohort with different inherited cardiac conditions and their father. The variant was report as p.(R637P) and classified as a variant of uncertain significance (Ochoa et al., 2018); Not observed at significant frequency in large population cohorts (gnomAD); In silico analysis supports that this missense variant has a deleterious effect on protein structure/function; Variants in candidate genes are classified as variants of uncertain significance in accordance with ACMG guidelines (Richards et al., 2015); This variant is associated with the following publications: (PMID: 30442288)

Literature cited by the submitters: PubMed 24088304 (cited by Victorian Clinical Genetics Services, Murdoch Childrens Research Institute); PubMed 30442288 (cited by Victorian Clinical Genetics Services, Murdoch Childrens Research Institute); PubMed 31742804 (cited by Victorian Clinical Genetics Services, Murdoch Childrens Research Institute); PubMed 34526680 (cited by Victorian Clinical Genetics Services, Murdoch Childrens Research Institute); PubMed 35205353 (cited by Victorian Clinical Genetics Services, Murdoch Childrens Research Institute).